The following is an entry in ClinVar:

ClinVar aggregate classification (germline): Uncertain significance (1 of 4 stars; one submission).

Conditions:
Aortic valve disease 2 (AOVD2). Identifiers: MedGen C3542024, MONDO:0013902, OMIM 614823.

Allele frequency attached by ClinVar (database versions not stated): TOPMed below 0.00001; gnomAD 0.00003.

Submission:

Labcorp Genetics (formerly Invitae), Labcorp
Classification: Uncertain significance for Aortic valve disease 2. Last evaluated: 2022-03-28. Review status: criteria provided, single submitter. Criteria: Invitae Variant Classification Sherloc (09022015). Collection method: clinical testing. Allele origin: germline.
Comment: This variant is present in population databases (no rsID available, gnomAD 0.09%). In summary, the available evidence is currently insufficient to determine the role of this variant in disease. Therefore, it has been classified as a Variant of Uncertain Significance. Algorithms developed to predict the effect of missense changes on protein structure and function are either unavailable or do not agree on the potential impact of this missense change (SIFT: "Deleterious"; PolyPhen-2: "Probably Damaging"; Align-GVGD: "Class C0"). This variant has not been reported in the literature in individuals affected with SMAD6-related conditions. This sequence change replaces glycine, which is neutral and non-polar, with cysteine, which is neutral and slightly polar, at codon 217 of the SMAD6 protein (p.Gly217Cys).

NM_005585.5(SMAD6):c.649G>T (p.Gly217Cys)

Gene: SMAD6 (SMAD family member 6; plus strand). Cytogenetic location: 15q22.31.
Variant type: single nucleotide variant.
Coding change: c.649G>T on transcript NM_005585.5 (MANE Select); coding-DNA position 649, G replaced by T.
Protein change: p.Gly217Cys; replaces glycine 217 with cysteine.
Molecular consequence: missense variant. On other transcripts: non-coding transcript variant (1).
Genome position (GRCh38, 1-based): chr15:66,703,907, G>T. VCF-style: chr15-66703907-G-T. GRCh37 (hg19) VCF-style: chr15-66996245-G-T.
Other names: short protein forms G217C.
Identifiers: ClinVar variation 2152629 (VCV002152629.4), dbSNP rs1222990058, ClinGen allele CA392949965.